The following is an entry in ClinVar:

NM_000228.3(LAMB3):c.2168del (p.Glu723fs)

Gene: LAMB3 (laminin subunit beta 3; minus strand). Cytogenetic location: 1q32.2.
Variant type: Deletion.
Coding change: c.2168del on transcript NM_000228.3 (MANE Select); coding-DNA position 2168, one base deleted (A; older notation c.2168delA).
Protein change: p.Glu723fs; shifts the reading frame from glutamic acid 723.
Molecular consequence: frameshift variant.
Genome position (GRCh38, 1-based): chr1:209,623,695, T deleted on the plus strand (A on the coding strand, the reverse complement: LAMB3 is on the minus strand). VCF-style (leftmost placement, unchanged base first): chr1-209623694-CT-C. GRCh37 (hg19) VCF-style: chr1-209797039-CT-C.
Other names: c.2168del, p.Glu723fs (NM_001017402.2, NM_001127641.1); short protein forms E723fs.
Identifiers: ClinVar variation 5013145 (VCV005013145.1).

ClinVar aggregate classification (germline): Pathogenic (1 of 4 stars; one submission).

Conditions:
Junctional epidermolysis bullosa. Identifiers: Orphanet 305, MedGen C0079301, MONDO:0017612.

Submission:

Myriad Genetics, Inc.
Classification: Pathogenic for Junctional epidermolysis bullosa. Last evaluated: 2024-04-17. Review status: criteria provided, single submitter. Criteria: Myriad Autosomal Dominant, Autosomal Recessive and X-Linked Classification Criteria (2023). Collection method: clinical testing. Allele origin: unknown.
Comment: NM_000228.2(LAMB3):c.2168delA(E723Gfs*48) is expected to be pathogenic in the context of junctional epidermolysis bullosa, LAMB3-related. This variant is predicted to lead to an abnormal or absent protein product due to the creation of a premature termination codon in LAMB3, a gene where loss-of-function variants are known to be pathogenic. Please note: this variant was assessed in the context of healthy population screening.